The following is an entry in ClinVar:

ClinVar aggregate classification (germline): Uncertain significance. Review status: criteria provided, single submitter (1 of 4 stars). 2 submissions from 2 submitters: Uncertain significance (1). 1 of the submissions does not count toward it. Last evaluated 2025-06-05.

Conditions:
Baller-Gerold syndrome (BGS). Also called: CRANIOSYNOSTOSIS WITH RADIAL DEFECTS. Identifiers: Orphanet 1225, MedGen C0265308, MONDO:0009039, OMIM 218600.
RECQL4-related disorder. Also called: RECQL4-related condition; RECQL4-related disorders.

Allele frequency attached by ClinVar (database versions not stated): gnomAD 0.00001; gnomAD exomes 0.00001; TOPMed 0.00002; ExAC 0.00003; ESP Exome Variant Server 0.00008.

Submissions (2):

Labcorp Genetics (formerly Invitae), Labcorp
Classification: Uncertain significance for Baller-Gerold syndrome. Last evaluated: 2025-06-05. Review status: criteria provided, single submitter. Criteria: Invitae Variant Classification Sherloc (09022015). Collection method: clinical testing. Allele origin: germline.
Comment: This sequence change falls in intron 8 of the RECQL4 gene. It does not directly change the encoded amino acid sequence of the RECQL4 protein. It affects a nucleotide within the consensus splice site. The frequency data for this variant in the population databases is considered unreliable, as metrics indicate poor data quality at this position in the gnomAD database. This variant has not been reported in the literature in individuals affected with RECQL4-related conditions. ClinVar contains an entry for this variant (Variation ID: 659364). Variants that disrupt the consensus splice site are a relatively common cause of aberrant splicing (PMID: 17576681, 9536098). Algorithms developed to predict the effect of sequence changes on RNA splicing suggest that this variant is not likely to affect RNA splicing. In summary, the available evidence is currently insufficient to determine the role of this variant in disease. Therefore, it has been classified as a Variant of Uncertain Significance.

PreventionGenetics, part of Exact Sciences
Classification: Likely benign for RECQL4-related condition. Last evaluated: 2022-11-01. Review status: no assertion criteria provided. Collection method: clinical testing. Allele origin: germline. Not counted in ClinVar's aggregate classification.
Comment: This variant is classified as likely benign based on ACMG/AMP sequence variant interpretation guidelines (Richards et al. 2015 PMID: 25741868, with internal and published modifications).

Literature cited by the submitters: PubMed 17576681 (cited by Labcorp Genetics (formerly Invitae), Labcorp); PubMed 9536098 (cited by Labcorp Genetics (formerly Invitae), Labcorp).

NM_004260.4(RECQL4):c.1483+6C>T

Gene: RECQL4 (RecQ like helicase 4; minus strand). Cytogenetic location: 8q24.3.
Variant type: single nucleotide variant.
Coding change: c.1483+6C>T on transcript NM_004260.4 (MANE Select); 6 bases into the intron after coding-DNA position 1483, C replaced by T.
Molecular consequence: intron variant.
Genome position (GRCh38, 1-based): chr8:144,515,144, G>A on the plus strand (C>T on the coding strand, the complement: RECQL4 is on the minus strand). VCF-style: chr8-144515144-G-A. GRCh37 (hg19) VCF-style: chr8-145740528-G-A.
Identifiers: ClinVar variation 659364 (VCV000659364.8), dbSNP rs376137809, ClinGen allele CA4948847.